The following is an entry in ClinVar:

NM_012144.4(DNAI1):c.658A>G (p.Asn220Asp)

Gene: DNAI1 (dynein axonemal intermediate chain 1; plus strand). Cytogenetic location: 9p13.3.
Variant type: single nucleotide variant.
Coding change: c.658A>G on transcript NM_012144.4 (MANE Select); coding-DNA position 658, A replaced by G.
Protein change: p.Asn220Asp; replaces asparagine 220 with aspartic acid.
Molecular consequence: missense variant.
Genome position (GRCh38, 1-based): chr9:34,491,531, A>G. VCF-style: chr9-34491531-A-G. GRCh37 (hg19) VCF-style: chr9-34491529-A-G.
Other names: c.658A>G (NM_012144.2); c.670A>G, p.Asn224Asp (NM_001281428.2); short protein forms N220D, N224D.
Identifiers: ClinVar variation 2188366 (VCV002188366.2), dbSNP rs201974671, ClinGen allele CA5034138.

ClinVar aggregate classification (germline): Conflicting classifications of pathogenicity. Review status: criteria provided, conflicting classifications (1 of 4 stars). 2 submissions from 2 submitters: Uncertain significance (1); Likely benign (1). Last evaluated 2023-05-22.

Conditions:
Primary ciliary dyskinesia. Also called: Ciliary dyskinesia. Identifiers: Orphanet 244, MedGen C0008780, MONDO:0016575, HP:0012265.

Allele frequency attached by ClinVar (database versions not stated): gnomAD exomes 0.00002; TOPMed 0.00005; gnomAD 0.00006; ExAC 0.00007; 1000 Genomes Project 30x 0.00031; 1000 Genomes Project 0.00040.
gnomAD v4.1: 37 of 1,614,180 alleles (0.0023%); highest among the groups gnomAD compares: East Asian, 0.08%; no homozygotes.

Submissions (2):

Ambry Genetics
Classification: Likely benign for Primary ciliary dyskinesia. Last evaluated: 2023-05-22. Review status: criteria provided, single submitter. Criteria: Ambry Variant Classification Scheme 2023. Collection method: clinical testing. Allele origin: germline.

Labcorp Genetics (formerly Invitae), Labcorp
Classification: Uncertain significance for Primary ciliary dyskinesia. Last evaluated: 2021-12-03. Review status: criteria provided, single submitter. Criteria: Invitae Variant Classification Sherloc (09022015). Collection method: clinical testing. Allele origin: germline.
Comment: This sequence change replaces asparagine, which is neutral and polar, with aspartic acid, which is acidic and polar, at codon 220 of the DNAI1 protein (p.Asn220Asp). This variant is present in population databases (rs201974671, gnomAD 0.1%). This variant has not been reported in the literature in individuals affected with DNAI1-related conditions. Algorithms developed to predict the effect of missense changes on protein structure and function (SIFT, PolyPhen-2, Align-GVGD) all suggest that this variant is likely to be tolerated. In summary, the available evidence is currently insufficient to determine the role of this variant in disease. Therefore, it has been classified as a Variant of Uncertain Significance.